The following is an entry in ClinVar:

NM_005502.4(ABCA1):c.5796T>G (p.Ile1932Met)

Gene: ABCA1 (ATP binding cassette subfamily A member 1; minus strand). Cytogenetic location: 9q31.1.
Variant type: single nucleotide variant.
Coding change: c.5796T>G on transcript NM_005502.4 (MANE Select); coding-DNA position 5796, T replaced by G.
Protein change: p.Ile1932Met; replaces isoleucine 1932 with methionine.
Molecular consequence: missense variant.
Genome position (GRCh38, 1-based): chr9:104,791,960, A>C on the plus strand (T>G on the coding strand, the complement: ABCA1 is on the minus strand). VCF-style: chr9-104791960-A-C. GRCh37 (hg19) VCF-style: chr9-107554241-A-C.
Other names: short protein forms I1932M.
Identifiers: ClinVar variation 4233126 (VCV004233126.1).

ClinVar aggregate classification (germline): Uncertain significance (1 of 4 stars; one submission).

Conditions:
Cardiovascular phenotype. Identifiers: MedGen CN230736.

Submission:

Ambry Genetics
Classification: Uncertain significance for Cardiovascular phenotype. Last evaluated: 2025-06-22. Review status: criteria provided, single submitter. Criteria: Ambry Variant Classification Scheme 2023. Collection method: clinical testing. Allele origin: germline.
Comment: The p.I1932M variant (also known as c.5796T>G), located in coding exon 42 of the ABCA1 gene, results from a T to G substitution at nucleotide position 5796. The isoleucine at codon 1932 is replaced by methionine, an amino acid with highly similar properties. This amino acid position is conserved. In addition, the in silico prediction for this alteration is inconclusive. Based on the available evidence, the clinical significance of this variant remains unclear.